The following is an entry in ClinVar:

NM_001035.3(RYR2):c.7645C>T (p.Leu2549Phe)

Gene: RYR2 (ryanodine receptor 2; plus strand). Cytogenetic location: 1q43.
Variant type: single nucleotide variant.
Coding change: c.7645C>T on transcript NM_001035.3 (MANE Select); coding-DNA position 7645, C replaced by T.
Protein change: p.Leu2549Phe; replaces leucine 2549 with phenylalanine.
Molecular consequence: missense variant.
Genome position (GRCh38, 1-based): chr1:237,650,009, C>T. VCF-style: chr1-237650009-C-T. GRCh37 (hg19) VCF-style: chr1-237813309-C-T.
Other names: short protein forms L2549F.
Identifiers: ClinVar variation 3628482 (VCV003628482.2).

ClinVar aggregate classification (germline): Uncertain significance (1 of 4 stars; one submission).

Conditions:
Catecholaminergic polymorphic ventricular tachycardia 1. Also called: VENTRICULAR TACHYCARDIA, CATECHOLAMINERGIC POLYMORPHIC, 1, WITH OR WITHOUT ATRIAL DYSFUNCTION AND/OR DILATED CARDIOMYOPATHY; RYR2-Related Catecholaminergic Polymorphic Ventricular Tachycardia; VENTRICULAR TACHYCARDIA, STRESS-INDUCED POLYMORPHIC 1. Identifiers: Orphanet 3286, MedGen C1631597, MONDO:0011484, OMIM 604772.

Submission:

Labcorp Genetics (formerly Invitae), Labcorp
Classification: Uncertain significance for Catecholaminergic polymorphic ventricular tachycardia 1. Last evaluated: 2024-03-26. Review status: criteria provided, single submitter. Criteria: Invitae Variant Classification Sherloc (09022015). Collection method: clinical testing. Allele origin: germline.
Comment: This sequence change replaces leucine, which is neutral and non-polar, with phenylalanine, which is neutral and non-polar, at codon 2549 of the RYR2 protein (p.Leu2549Phe). This variant is not present in population databases (gnomAD no frequency). This variant has not been reported in the literature in individuals affected with RYR2-related conditions. Advanced modeling of protein sequence and biophysical properties (such as structural, functional, and spatial information, amino acid conservation, physicochemical variation, residue mobility, and thermodynamic stability) performed at Invitae indicates that this missense variant is expected to disrupt RYR2 protein function with a positive predictive value of 95%. In summary, the available evidence is currently insufficient to determine the role of this variant in disease. Therefore, it has been classified as a Variant of Uncertain Significance.